The following is an entry in ClinVar:

NM_006593.4(TBR1):c.692+2T>C

Gene: TBR1 (T-box brain transcription factor 1; plus strand). Cytogenetic location: 2q24.2.
Variant type: single nucleotide variant.
Coding change: c.692+2T>C on transcript NM_006593.4 (MANE Select); the canonical splice donor site of the intron after coding-DNA position 692, T replaced by C.
Molecular consequence: splice donor variant.
Genome position (GRCh38, 1-based): chr2:161,417,104, T>C. VCF-style: chr2-161417104-T-C. GRCh37 (hg19) VCF-style: chr2-162273615-T-C.
Identifiers: ClinVar variation 4854163 (VCV004854163.1).
Genomic context (GRCh38, chr2:161,417,104, plus strand): 5'-CCCCTTTGGCTGAAATTTCACCGGCACCAAACGGAGATGATCATCACCAAACAGGGAAGG[T>C]AATACTACATTTTTGGCTGCCGCTGCTCTAGGCGCAGCCGGGGACAAGTGCACCTAGGCT-3'

ClinVar aggregate classification (germline): Likely pathogenic (1 of 4 stars; one submission).

Conditions:
Intellectual developmental disorder with autism and speech delay. Also called: Autism, susceptibility to, 5; Autism 5; AUTISM-RELATED SPEECH DELAY; PHRASE SPEECH DELAY, AUTISM-RELATED; AUTS5. Identifiers: MedGen C1853755, MONDO:0011627, OMIM 606053.

Submission:

3billion
Classification: Likely pathogenic for Intellectual developmental disorder with autism and speech delay. Last evaluated: 2026-01-23. Review status: criteria provided, single submitter. Criteria: ACMG Guidelines, 2015. Collection method: clinical testing. Allele origin: germline. Affected: yes.
Comment: The variant is not observed in the gnomAD v4.1.0 dataset. Predicted Consequence/Location: Canonical splice site: predicted to alter splicing and result in a loss or disruption of normal protein function. Multiple pathogenic loss-of-function variants are reported downstream of the variant. In silico tools predict the variant to alter splicing and produce an abnormal transcript [SpliceAI: 0.93 (spliceogenicity >=0.2, non-spliceogenicity <0.1)]. Therefore, this variant is classified as Likely pathogenic according to the recommendation of ACMG/AMP guideline.